The following is an entry in ClinVar:

NM_001170629.2(CHD8):c.2645C>T (p.Thr882Ile)

Gene: CHD8 (chromodomain helicase DNA binding protein 8; minus strand). Cytogenetic location: 14q11.2.
Variant type: single nucleotide variant.
Coding change: c.2645C>T on transcript NM_001170629.2 (MANE Select); coding-DNA position 2645, C replaced by T.
Protein change: p.Thr882Ile; replaces threonine 882 with isoleucine.
Molecular consequence: missense variant.
Genome position (GRCh38, 1-based): chr14:21,408,397, G>A on the plus strand (C>T on the coding strand, the complement: CHD8 is on the minus strand). VCF-style: chr14-21408397-G-A. GRCh37 (hg19) VCF-style: chr14-21876556-G-A.
Other names: c.1808C>T, p.Thr603Ile (NM_020920.4); short protein forms T603I, T882I.
Identifiers: ClinVar variation 4990898 (VCV004990898.1).
Genomic context (GRCh38, chr14:21,408,397, plus strand): 5'-TACTGTTGAATCATCTGCCTGCTGGCCAGACTGCCATGGTACACAATAGTGTTCATTTCT[G>A]TCCATGTATTAAATTCTCGCTCCCAGTTAGTAATTGTGGACAGTGGGGCAATGACCAAGA-3'
Protein context (NP_001164100.1, residues 872-892): TNWEREFNTW[Thr882Ile]EMNTIVYHGS

ClinVar aggregate classification (germline): Uncertain significance (1 of 4 stars; one submission).

Conditions:
CHD8-related disorder. Also called: CHD8-related disorders; CHD8-related condition.

Submission:

PreventionGenetics, part of Exact Sciences
Classification: Uncertain significance for CHD8-related condition. Last evaluated: 2026-08-11. Review status: criteria provided, single submitter. Criteria: ACMG Guidelines, 2015. Collection method: clinical testing. Allele origin: germline.
Comment: The CHD8 c.2645C>T variant is predicted to result in the amino acid substitution p.Thr882Ile. To our knowledge, this variant has not been reported in the literature or in a large population database (gnomAD), indicating this variant is rare. At this time, the clinical significance of this variant is uncertain due to the absence of conclusive functional and genetic evidence.